The following is an entry in ClinVar:

ClinVar aggregate classification (germline): Likely benign (0 of 4 stars; one submission).

Conditions:
ANXA11-related disorder. Also called: ANXA11-related condition.

gnomAD v4.1: 19 of 1,571,622 alleles (0.0012%); highest among the groups gnomAD compares: Admixed American, 0.013%; no homozygotes.

Submission:

PreventionGenetics, part of Exact Sciences
Classification: Likely benign for ANXA11-related condition. Last evaluated: 2024-05-29. Review status: no assertion criteria provided. Collection method: clinical testing. Allele origin: germline.
Comment: This variant is classified as likely benign based on ACMG/AMP sequence variant interpretation guidelines (Richards et al. 2015 PMID: 25741868, with internal and published modifications).

NM_145868.2(ANXA11):c.993A>G (p.Ser331=)

Gene: ANXA11 (annexin A11; minus strand). Cytogenetic location: 10q22.3.
Variant type: single nucleotide variant.
Coding change: c.993A>G on transcript NM_145868.2 (MANE Select); coding-DNA position 993, A replaced by G.
Protein change: p.Ser331=; no amino-acid change (serine 331 retained).
Molecular consequence: synonymous variant.
Genome position (GRCh38, 1-based): chr10:80,163,570, T>C on the plus strand (A>G on the coding strand, the complement: ANXA11 is on the minus strand). VCF-style: chr10-80163570-T-C. GRCh37 (hg19) VCF-style: chr10-81923326-T-C.
Other names: c.993A>G, p.Ser331= (NM_001157.3, NM_001278407.2, NM_001278408.2 and 1 more transcripts); c.894A>G, p.Ser298= (NM_001278409.2).
Identifiers: ClinVar variation 3353630 (VCV003353630.1).